The following is an entry in ClinVar:

ClinVar aggregate classification (germline): Conflicting classifications of pathogenicity. Review status: criteria provided, conflicting classifications (1 of 4 stars). 19 submissions from 17 submitters: Uncertain significance (15); Likely benign (1). 3 of the submissions do not count toward it. Last evaluated 2026-09-13.

Conditions:
Autosomal recessive nonsyndromic hearing loss 4 (DFNB4). Also called: Enlarged vestibular aqueduct, digenic; DEAFNESS, AUTOSOMAL RECESSIVE 4, WITH ENLARGED VESTIBULAR AQUEDUCT, DIGENIC; Nonsyndromic enlarged vestibular aqueduct (NSEVA); Deafness, autosomal recessive 4, with enlarged vestibular aqueduct; Deafness, autosomal recessive 4; FOXI1-Related Pendred Syndrome. Identifiers: Orphanet 90636, MedGen C3538946, MONDO:0010933, OMIM 600791.
EAST syndrome (SESAMES). Also called: SEIZURES, SENSORINEURAL DEAFNESS, ATAXIA, IMPAIRED INTELLECTUAL DEVELOPMENT, AND ELECTROLYTE IMBALANCE. Identifiers: Orphanet 199343, MedGen C2748572, MONDO:0013005, OMIM 612780.
KCNJ10-related disorder. Also called: KCNJ10-related condition; KCNJ10-related disorders. Identifiers: MedGen CN239321.
Inborn genetic diseases. Identifiers: MedGen C0950123, MeSH D030342.
Pendred syndrome (PDS). Also called: Pendred Syndrome (PDS); DEAFNESS WITH GOITER; GOITER-DEAFNESS SYNDROME; HYPOTHYROIDISM, CONGENITAL, DUE TO DYSHORMONOGENESIS, 2B; Pendred's syndrome; THYROID DYSHORMONOGENESIS 2B. Identifiers: Orphanet 705, MedGen C0271829, MONDO:0010134, OMIM 274600.
Intellectual disability. Also called: Intellectual functioning disability; intellectual disabilities; Intellectual developmental disorder. Identifiers: MedGen C3714756, MeSH D008607, MONDO:0001071, HP:0001249.

Allele frequency attached by ClinVar (database versions not stated): gnomAD exomes 0.00040 and 0.00043; ESP Exome Variant Server 0.00062; 1000 Genomes Project 30x 0.00016; 1000 Genomes Project 0.00020; gnomAD 0.00030 and 0.00034; TOPMed 0.00032; ExAC 0.00036.
gnomAD v4.1: 668 of 1,614,150 alleles (0.041%); highest among the groups gnomAD compares: Middle Eastern, 0.066%; no homozygotes.

Submissions (19):

PreventionGenetics, part of Exact Sciences
Classification: Uncertain significance for KCNJ10-related condition. Last evaluated: 2026-09-13. Review status: criteria provided, single submitter. Criteria: ACMG Guidelines, 2015. Collection method: clinical testing. Allele origin: germline.
Comment: The KCNJ10 c.1043G>A variant is predicted to result in the amino acid substitution p.Arg348His. This variant was reported in an individual with congenital hyperinsulinism (Proverbio et al. 2013. PubMed ID: 23869231). Additionally, it has been reported in individuals with neurodevelopmental disorders and infantile spasms, although a second KCNJ10 variant was not identified and at least one of these individuals had additional genetic variants in other genes (Sicca et al. 2016. PubMed ID: 27677466; Butler et al. 2016. PubMed ID: 27875746). This variant is reported in 0.065% of alleles in individuals of European (Non-Finnish) descent in gnomAD. Although we suspect that this variant may be benign, at this time, the clinical significance of this variant is uncertain due to the absence of conclusive functional and genetic evidence.

CeGaT Center for Human Genetics Tuebingen
Classification: Uncertain significance. Last evaluated: 2026-02-01. Review status: criteria provided, single submitter. Criteria: CeGaT Center For Human Genetics Tuebingen Variant Classification Criteria Version 2. Collection method: clinical testing. Allele origin: germline. Affected: yes. Observed: 2 variant alleles.
Comment: KCNJ10: PM2, PM5:Supporting, PS3:Supporting

Labcorp Genetics (formerly Invitae), Labcorp
Classification: Likely benign for EAST syndrome. Last evaluated: 2026-01-26. Review status: criteria provided, single submitter. Criteria: Invitae Variant Classification Sherloc (09022015). Collection method: clinical testing. Allele origin: germline.

Athena Diagnostics
Classification: Uncertain significance. Last evaluated: 2024-12-27. Review status: criteria provided, single submitter. Criteria: Athena Diagnostics Criteria. Collection method: clinical testing. Allele origin: unknown.
Comment: Available data are insufficient to determine the clinical significance of the variant at this time. The frequency of this variant in the general population is higher than would generally be expected for pathogenic variants in this gene. Assessment of experimental evidence regarding the effect of this variant on protein function is inconclusive (PMID: 27677466).

Blueprint Genetics
Classification: Uncertain significance. Last evaluated: 2024-10-18. Review status: criteria provided, single submitter. Criteria: ACMG Guidelines, 2015. Collection method: clinical testing. Allele origin: germline.

Fulgent Genetics
Classification: Uncertain significance for Autosomal recessive nonsyndromic hearing loss 4; EAST syndrome. Last evaluated: 2024-05-02. Review status: criteria provided, single submitter. Criteria: ACMG Guidelines, 2015. Collection method: clinical testing. Allele origin: germline.

Department of Pathology and Laboratory Medicine, Sinai Health System
Classification: Uncertain significance for Pendred syndrome; Autosomal recessive nonsyndromic hearing loss 4; EAST syndrome. Last evaluated: 2023-02-09. Review status: criteria provided, single submitter. Criteria: ACMG Guidelines, 2015. Collection method: research. Allele origin: germline.

Genetic Services Laboratory, University of Chicago
Classification: Uncertain significance. Last evaluated: 2020-03-09. Review status: criteria provided, single submitter. Criteria: ACMG Guidelines, 2015. Collection method: clinical testing. Allele origin: germline. Affected: no.

Ambry Genetics
Classification: Uncertain significance for Inborn genetic diseases. Last evaluated: 2019-05-10. Review status: criteria provided, single submitter. Criteria: Ambry Variant Classification Scheme 2023. Collection method: clinical testing. Allele origin: germline.
Comment: The p.R348H variant (also known as c.1043G>A), located in coding exon 1 of the KCNJ10 gene, results from a G to A substitution at nucleotide position 1043. The arginine at codon 348 is replaced by histidine, an amino acid with highly similar properties. In one study, this variant was reported in an individual with congenital hyperinsulinism of infancy (Proverbio MC et al. PLoS ONE, 2013 Jul;8:e68740). In a child with infantile spasms, developmental delay, an abnormal EEG, left frontal lobe cortical dysplasia, hypotonia, and brachycephaly, this variant co-occurred with an apparently de novo SCN8A pathogenic mutation (Butler KM et al. Epilepsy Res., 2017 01;129:17-25). Of note, none of the four aforementioned individuals were found to carry a second KCNJ10 alteration. This amino acid position is not well conserved in available vertebrate species. In addition, the in silico prediction for this alteration is inconclusive. Based on available evidence to date, the clinical significance of this alteration remains unclear.

GeneDx
Classification: Uncertain significance. Last evaluated: 2018-12-06. Review status: criteria provided, single submitter. Criteria: GeneDx Variant Classification (06012015). Collection method: clinical testing. Allele origin: germline. Affected: yes.
Comment: A variant of uncertain significance has been identified in the KCNJ10 gene. The R348H variant has been published as a non-synonymous SNP in a patient with congenital hyperinsulinism of infancy (Proverbio et al., 2013). Functional studies suggest that the R348H variant may affect channel function (Sicca et al., 2016). A different amino acid substitution at the same position (R348C) was reported in a patient with enlarged vestibular aqueduct syndrome who also had a single pathogenic variant in the SLC26A4 gene (Yang et al., 2009). Of note, the patient's unaffected mother and unaffected sibling also had the R348C variant in the KCNJ10 gene (Yang et al., 2009). The R348H variant is observed in 37/66,576 (0.06%) alleles from individuals of European background (Lek et al., 2016; 1000 Genomes Consortium et al., 2015; Exome Variant Server). The R348H variant is a conservative amino acid substitution, which is not likely to impact secondary protein structure as these residues share similar properties. This substitution occurs at a position that is not conserved. In silico analysis is inconsistent in its predictions as to whether or not the variant is damaging to the protein structure/function. Based on the currently available information, it is unclear whether this variant is a pathogenic variant or a rare benign variant.

Fulgent Genetics
Classification: Uncertain significance for Pendred syndrome; Autosomal recessive nonsyndromic hearing loss 4; EAST syndrome. Last evaluated: 2018-10-31. Review status: criteria provided, single submitter. Criteria: ACMG Guidelines, 2015. Collection method: clinical testing. Allele origin: unknown.

Illumina Laboratory Services, Illumina
Classification: Uncertain significance for EAST syndrome. Last evaluated: 2017-04-28. Review status: criteria provided, single submitter. Criteria: ICSL Variant Classification Criteria 13 December 2019. Collection method: clinical testing. Allele origin: germline.

Illumina Laboratory Services, Illumina
Classification: Uncertain significance for Autosomal recessive nonsyndromic hearing loss 4. Last evaluated: 2017-04-28. Review status: criteria provided, single submitter. Criteria: ICSL Variant Classification Criteria 13 December 2019. Collection method: clinical testing. Allele origin: germline.

Eurofins Ntd Llc (ga)
Classification: Uncertain significance. Last evaluated: 2017-01-13. Review status: criteria provided, single submitter. Criteria: EGL Classification Definitions 2015. Collection method: clinical testing. Allele origin: germline. Observed: 1 variant allele, 1 heterozygote.

Breakthrough Genomics
Classification: Uncertain significance. Review status: criteria provided, single submitter. Criteria: ACMG Guidelines, 2015. Collection method: not provided. Allele origin: germline. Inheritance: Autosomal recessive inheritance. Affected: yes.

Center for Genomics, Ann and Robert H. Lurie Children's Hospital of Chicago
Classification: Uncertain significance for Autosomal recessive nonsyndromic hearing loss 4; EAST syndrome. Review status: criteria provided, single submitter. Criteria: ACMG Guidelines, 2015. Collection method: clinical testing. Allele origin: germline.
Comment: KCNJ10 NM_002241.4 exon 2 p.Arg348His (c.1043G>A): This variant has been reported in the literature in 1 individual with congenital hyperinsulinism of infancy (CHI) (Proverbio 2013 PMID:23869231), as well as in 1 individual with autism and epilepsy, segregating with disease in 1 affected relative (Sicca 2016 PMID:7677466). This variant is present in 83/126554 European alleles in the Genome Aggregation Database. This variant is present in ClinVar (Variation ID:205823). Evolutionary conservation and computational predictive tools for this variant are unclear. Zebrafish and patch-clamp functional studies suggest a deleterious effect of this variant; however, further studies are needed to understand its impact. In summary, data on this variant is insufficient for disease classification. Therefore, the clinical significance of this variant is uncertain.

Centre de Biologie Pathologie Génétique, Centre Hospitalier Universitaire de Lille
Classification: Uncertain significance for Intellectual disability. Last evaluated: 2019-01-01. Review status: no assertion criteria provided. Collection method: clinical testing. Allele origin: unknown. Affected: yes. Not counted in ClinVar's aggregate classification.

Clinical Genetics DNA and cytogenetics Diagnostics Lab, Erasmus MC, Erasmus Medical Center
Classification: Uncertain significance. Review status: no assertion criteria provided. Collection method: clinical testing. Allele origin: germline. Affected: yes. Study: VKGL Data-share Consensus. Not counted in ClinVar's aggregate classification.

Joint Genome Diagnostic Labs from Nijmegen and Maastricht, Radboudumc and MUMC+
Classification: Uncertain significance. Review status: no assertion criteria provided. Collection method: clinical testing. Allele origin: germline. Affected: yes. Study: VKGL Data-share Consensus. Not counted in ClinVar's aggregate classification.

Literature cited by the submitters: PubMed 27677466 (cited by Athena Diagnostics and Ambry Genetics); PubMed 27875746 (cited by Athena Diagnostics and Ambry Genetics); PubMed 23869231 (cited by Athena Diagnostics and Ambry Genetics); PubMed 31722434 (cited by Athena Diagnostics).

NM_002241.5(KCNJ10):c.1043G>A (p.Arg348His)

Gene: KCNJ10 (potassium inwardly rectifying channel subfamily J member 10; minus strand). Cytogenetic location: 1q23.2.
Variant type: single nucleotide variant.
Coding change: c.1043G>A on transcript NM_002241.5 (MANE Select); coding-DNA position 1043, G replaced by A.
Protein change: p.Arg348His; replaces arginine 348 with histidine.
Molecular consequence: missense variant.
Genome position (GRCh38, 1-based): chr1:160,041,490, C>T on the plus strand (G>A on the coding strand, the complement: KCNJ10 is on the minus strand). VCF-style: chr1-160041490-C-T. GRCh37 (hg19) VCF-style: chr1-160011280-C-T.
Other names: p.R348H:CGC>CAC; short protein forms R348H.
Identifiers: ClinVar variation 205823 (VCV000205823.49), dbSNP rs146396982, ClinGen allele CA315273.